The following is an entry in ClinVar:

NM_000455.5(STK11):c.204C>G (p.Asp68Glu)

Gene: STK11 (serine/threonine kinase 11; plus strand). Cytogenetic location: 19p13.3.
Variant type: single nucleotide variant.
Coding change: c.204C>G on transcript NM_000455.5 (MANE Select); coding-DNA position 204, C replaced by G.
Protein change: p.Asp68Glu; replaces aspartic acid 68 with glutamic acid.
Molecular consequence: missense variant. On other transcripts: non-coding transcript variant (1).
Genome position (GRCh38, 1-based): chr19:1,207,117, C>G. VCF-style: chr19-1207117-C-G. GRCh37 (hg19) VCF-style: chr19-1207116-C-G.
Other names: c.204C>G, p.Asp68Glu (NM_001407255.1); short protein forms D68E.
Identifiers: ClinVar variation 2719735 (VCV002719735.3), dbSNP rs1337286592, ClinGen allele CA402944309.
Genomic context (GRCh38, chr19:1,207,117, plus strand): 5'-GTACCTGATGGGGGACCTGCTGGGGGAAGGCTCTTACGGCAAGGTGAAGGAGGTGCTGGA[C>G]TCGGAGACGCTGTGCAGGAGGGCCGTCAAGATCCTCAAGAAGAAGAAGTTGCGAAGGATC-3'
Protein context (NP_000446.1, residues 58-78): GSYGKVKEVL[Asp68Glu]SETLCRRAVK

ClinVar aggregate classification (germline): Uncertain significance (1 of 4 stars; one submission).

Conditions:
Peutz-Jeghers syndrome (PJS). Also called: POLYPOSIS, HAMARTOMATOUS INTESTINAL; POLYPS-AND-SPOTS SYNDROME; Peutz-Jeghers polyposis; Periorificial lentiginosis syndrome. Identifiers: Orphanet 2869, MedGen C0031269, MeSH D010580, MONDO:0008280, OMIM 175200.

Submission:

Labcorp Genetics (formerly Invitae), Labcorp
Classification: Uncertain significance for Peutz-Jeghers syndrome. Last evaluated: 2023-06-20. Review status: criteria provided, single submitter. Criteria: Invitae Variant Classification Sherloc (09022015). Collection method: clinical testing. Allele origin: germline.
Comment: Advanced modeling of protein sequence and biophysical properties (such as structural, functional, and spatial information, amino acid conservation, physicochemical variation, residue mobility, and thermodynamic stability) has been performed at Invitae for this missense variant, however the output from this modeling did not meet the statistical confidence thresholds required to predict the impact of this variant on STK11 protein function. In summary, the available evidence is currently insufficient to determine the role of this variant in disease. Therefore, it has been classified as a Variant of Uncertain Significance. This variant has not been reported in the literature in individuals affected with STK11-related conditions. This variant is not present in population databases (gnomAD no frequency). This sequence change replaces aspartic acid, which is acidic and polar, with glutamic acid, which is acidic and polar, at codon 68 of the STK11 protein (p.Asp68Glu).